The following is an entry in ClinVar:

ClinVar aggregate classification (germline): Conflicting classifications of pathogenicity. Review status: criteria provided, conflicting classifications (1 of 4 stars). 6 submissions from 6 submitters: Uncertain significance (5); Benign (1). Last evaluated 2025-10-28.

Conditions:
Fanconi anemia complementation group O. Also called: RAD51C-Related Fanconi Anemia. Identifiers: Orphanet 84, MedGen C3150653, MONDO:0013248, OMIM 613390.
Hereditary cancer-predisposing syndrome. Also called: Hereditary neoplastic syndrome; Neoplastic Syndromes, Hereditary; Tumor predisposition; Hereditary Cancer Syndrome. Identifiers: Orphanet 140162, MedGen C0027672, MeSH D009386, MONDO:0015356.
Hereditary breast ovarian cancer syndrome. Also called: Hereditary breast and ovarian cancer syndrome (HBOC); Breast and ovarian cancer; Hereditary breast and ovarian cancer syndrome; Hereditary breast and ovarian cancer; Hereditary breast and/or ovarian cancer syndrome; BRCA1- and BRCA2-Associated Hereditary Breast and Ovarian Cancer. Identifiers: Orphanet 145, MedGen C0677776, MeSH D061325, MONDO:0003582. Disease mechanism: loss of function.
Breast-ovarian cancer, familial, susceptibility to, 3. Also called: RAD51C-Related Breast/Ovarian Cancer. Identifiers: Orphanet 145, MedGen C3150659, MONDO:0013253, OMIM 613399.

Allele frequency attached by ClinVar (database versions not stated): ExAC 0.00001; gnomAD exomes 0.00001.
gnomAD v4.1: 11 of 1,614,212 alleles (0.00068%); highest among the groups gnomAD compares: Admixed American, 0.0017%; no homozygotes.

Submissions (6):

Ambry Genetics
Classification: Benign for Hereditary cancer-predisposing syndrome. Last evaluated: 2025-10-28. Review status: criteria provided, single submitter. Criteria: Ambry Variant Classification Scheme 2023. Collection method: clinical testing. Allele origin: germline.

Labcorp Genetics (formerly Invitae), Labcorp
Classification: Uncertain significance for Fanconi anemia complementation group O. Last evaluated: 2025-10-02. Review status: criteria provided, single submitter. Criteria: Invitae Variant Classification Sherloc (09022015). Collection method: clinical testing. Allele origin: germline.
Comment: This sequence change replaces isoleucine, which is neutral and non-polar, with valine, which is neutral and non-polar, at codon 183 of the RAD51C protein (p.Ile183Val). This variant is present in population databases (rs753475114, gnomAD 0.003%). This variant has not been reported in the literature in individuals affected with RAD51C-related conditions. ClinVar contains an entry for this variant (Variation ID: 482164). An algorithm developed to predict the effect of missense changes on protein structure and function outputs the following: PolyPhen-2: "Benign". The valine amino acid residue is found in multiple mammalian species, which suggests that this missense change does not adversely affect protein function. In summary, the available evidence is currently insufficient to determine the role of this variant in disease. Therefore, it has been classified as a Variant of Uncertain Significance.

Color Diagnostics, LLC DBA Color Health
Classification: Uncertain significance for Hereditary cancer-predisposing syndrome. Last evaluated: 2024-08-28. Review status: criteria provided, single submitter. Criteria: ACMG Guidelines, 2015. Collection method: clinical testing. Allele origin: germline.
Comment: This missense variant replaces isoleucine with valine at codon 183 of the RAD51C protein. Computational prediction suggests that this variant may not impact protein structure and function. To our knowledge, functional studies have not been reported for this variant. This variant has not been reported in individuals affected with RAD51C-related disorders in the literature. This variant has been identified in 3/251470 chromosomes in the general population by the Genome Aggregation Database (gnomAD). The available evidence is insufficient to determine the role of this variant in disease conclusively. Therefore, this variant is classified as a Variant of Uncertain Significance.

Baylor Genetics
Classification: Uncertain significance for Breast-ovarian cancer, familial, susceptibility to, 3. Last evaluated: 2023-12-26. Review status: criteria provided, single submitter. Criteria: ACMG Guidelines, 2015. Collection method: clinical testing. Allele origin: unknown.

GeneDx
Classification: Uncertain significance. Last evaluated: 2023-05-02. Review status: criteria provided, single submitter. Criteria: GeneDx Variant Classification Process June 2021. Collection method: clinical testing. Allele origin: germline. Affected: yes.
Comment: Not observed at significant frequency in large population cohorts (gnomAD); In silico analysis supports that this missense variant does not alter protein structure/function; Has not been previously published as pathogenic or benign to our knowledge; This variant is associated with the following publications: (PMID: 14704354)

Mendelics
Classification: Uncertain significance for Hereditary breast and ovarian cancer syndrome. Last evaluated: 2018-07-02. Review status: criteria provided, single submitter. Criteria: Mendelics Assertion Criteria 2017. Collection method: clinical testing. Allele origin: unknown.

NM_058216.3(RAD51C):c.547A>G (p.Ile183Val)

Gene: RAD51C (RAD51 paralog C; plus strand). Cytogenetic location: 17q22.
Variant type: single nucleotide variant.
Coding change: c.547A>G on transcript NM_058216.3 (MANE Select); coding-DNA position 547, A replaced by G.
Protein change: p.Ile183Val; replaces isoleucine 183 with valine.
Molecular consequence: missense variant.
Genome position (GRCh38, 1-based): chr17:58,696,835, A>G. VCF-style: chr17-58696835-A-G. GRCh37 (hg19) VCF-style: chr17-56774196-A-G.
Other names: short protein forms I183V.
Identifiers: ClinVar variation 482164 (VCV000482164.23), dbSNP rs753475114, ClinGen allele CA8677254.